The following is an entry in ClinVar:

NM_002582.4(PARN):c.1150T>G (p.Tyr384Asp)

Gene: PARN (poly(A)-specific ribonuclease; minus strand). Cytogenetic location: 16p13.12.
Variant type: single nucleotide variant.
Coding change: c.1150T>G on transcript NM_002582.4 (MANE Select); coding-DNA position 1150, T replaced by G.
Protein change: p.Tyr384Asp; replaces tyrosine 384 with aspartic acid.
Molecular consequence: missense variant.
Genome position (GRCh38, 1-based): chr16:14,582,223, A>C on the plus strand (T>G on the coding strand, the complement: PARN is on the minus strand). VCF-style: chr16-14582223-A-C. GRCh37 (hg19) VCF-style: chr16-14676080-A-C.
Other names: c.967T>G, p.Tyr323Asp (NM_001134477.3); c.1012T>G, p.Tyr338Asp (NM_001242992.2); short protein forms Y384D, Y323D, Y338D.
Identifiers: ClinVar variation 4782475 (VCV004782475.1).

ClinVar aggregate classification (germline): Uncertain significance (1 of 4 stars; one submission).

Conditions:
Pulmonary fibrosis and/or bone marrow failure, Telomere-related, 4. Also called: PULMONARY FIBROSIS AND/OR BONE MARROW FAILURE SYNDROME, TELOMERE-RELATED, 4. Identifiers: Orphanet 2032, MedGen C4225347, MONDO:0014612, OMIM 616371.
Dyskeratosis congenita, autosomal recessive 6 (DKCB6). Identifiers: MedGen C4225356, MONDO:0014600, OMIM 616353.

Submission:

Labcorp Genetics (formerly Invitae), Labcorp
Classification: Uncertain significance for Dyskeratosis congenita, autosomal recessive 6; Pulmonary fibrosis and/or bone marrow failure, Telomere-related, 4. Last evaluated: 2025-04-13. Review status: criteria provided, single submitter. Criteria: Invitae Variant Classification Sherloc (09022015). Collection method: clinical testing. Allele origin: germline.
Comment: This sequence change replaces tyrosine, which is neutral and polar, with aspartic acid, which is acidic and polar, at codon 384 of the PARN protein (p.Tyr384Asp). This variant is not present in population databases (gnomAD no frequency). This variant has not been reported in the literature in individuals affected with PARN-related conditions. Invitae Evidence Modeling of protein sequence and biophysical properties (such as structural, functional, and spatial information, amino acid conservation, physicochemical variation, residue mobility, and thermodynamic stability) indicates that this missense variant is expected to disrupt PARN protein function with a positive predictive value of 80%. In summary, the available evidence is currently insufficient to determine the role of this variant in disease. Therefore, it has been classified as a Variant of Uncertain Significance.